The following is an entry in ClinVar:

NM_004304.5(ALK):c.2535T>C (p.Gly845=)

Gene: ALK (ALK receptor tyrosine kinase; minus strand). Cytogenetic location: 2p23.2.
Variant type: single nucleotide variant.
Coding change: c.2535T>C on transcript NM_004304.5 (MANE Select); coding-DNA position 2535, T replaced by C.
Protein change: p.Gly845=; no amino-acid change (glycine 845 retained).
Molecular consequence: synonymous variant.
Genome position (GRCh38, 1-based): chr2:29,232,401, A>G on the plus strand (T>C on the coding strand, the complement: ALK is on the minus strand). VCF-style: chr2-29232401-A-G. GRCh37 (hg19) VCF-style: chr2-29455267-A-G.
Other names: p.Gly845=; c.2535T>C (LRG_488t1).
Identifiers: ClinVar variation 259268 (VCV000259268.35), dbSNP rs2256740, ClinGen allele CA1594269.
Genomic context (GRCh38, chr2:29,232,401, plus strand): 5'-GGAGTTATTCTCCAGTCTCTCTGGGTGGAACGTGTCTGTCTTGGCCCCGTAGGCCCTGCC[A>G]CCACCTCCGGCTGCAATGATCAGGGGCACCGGCACTCCATCCTTCATCTGACCAGGGGAG-3'
Protein context (NP_004295.2, residues 835-855): PVPLIIAAGG[Gly845=]GRAYGAKTDT

ClinVar aggregate classification (germline): Benign. Review status: criteria provided, multiple submitters, no conflicts (2 of 4 stars). 13 submissions from 13 submitters: Benign (12). 1 of the submissions does not count toward it. Last evaluated 2026-02-04.

Conditions:
Hereditary cancer-predisposing syndrome. Also called: Tumor predisposition; Hereditary neoplastic syndrome; Hereditary Cancer Syndrome; Neoplastic Syndromes, Hereditary. Identifiers: Orphanet 140162, MedGen C0027672, MeSH D009386, MONDO:0015356.
Neuroblastoma, susceptibility to, 3. Also called: ALK-Related Neuroblastic Tumor Susceptibility. Identifiers: Orphanet 635, MedGen C2751681, MONDO:0013083, OMIM 613014.

Allele frequency attached by ClinVar (database versions not stated): ExAC 0.61210; TOPMed 0.61362; gnomAD 0.62414 and 0.63034; 1000 Genomes Project 0.50000; 1000 Genomes Project 30x 0.50312; gnomAD exomes 0.60735 and 0.67314; ESP Exome Variant Server 0.66139.
gnomAD v4.1: 1,078,444 of 1,614,012 alleles (67%); highest among the groups gnomAD compares: Middle Eastern, 77%; 370,500 homozygotes.

Submissions (13):

Labcorp Genetics (formerly Invitae), Labcorp
Classification: Benign for Neuroblastoma, susceptibility to, 3. Last evaluated: 2026-02-04. Review status: criteria provided, single submitter. Criteria: Invitae Variant Classification Sherloc (09022015). Collection method: clinical testing. Allele origin: germline.

ARUP Laboratories, Molecular Genetics and Genomics, ARUP Laboratories
Classification: Benign for Neuroblastoma, susceptibility to, 3. Last evaluated: 2025-07-23. Review status: criteria provided, single submitter. Criteria: ARUP Molecular Germline Variant Investigation Process 2024. Collection method: clinical testing. Allele origin: germline.

Blueprint Genetics
Classification: Benign. Last evaluated: 2024-11-26. Review status: criteria provided, single submitter. Criteria: ACMG Guidelines, 2015. Collection method: clinical testing. Allele origin: germline.

KCCC/NGS Laboratory, Kuwait Cancer Control Center
Classification: Benign for Neuroblastoma, susceptibility to, 3. Last evaluated: 2023-07-07. Review status: criteria provided, single submitter. Criteria: ACMG Guidelines, 2015. Collection method: clinical testing. Allele origin: germline. Affected: yes.

Mayo Clinic Laboratories, Mayo Clinic
Classification: Benign. Last evaluated: 2022-03-03. Review status: criteria provided, single submitter. Criteria: ACMG Guidelines, 2015. Collection method: clinical testing. Allele origin: germline. Observed: 245 variant alleles.

Illumina Laboratory Services, Illumina
Classification: Benign for Neuroblastoma, susceptibility to, 3. Last evaluated: 2018-01-13. Review status: criteria provided, single submitter. Criteria: ICSL Variant Classification Criteria 13 December 2019. Collection method: clinical testing. Allele origin: germline.
Comment: This variant was observed in the ICSL laboratory as part of a predisposition screen in an ostensibly healthy population. It had not been previously curated by ICSL or reported in the Human Gene Mutation Database (HGMD: prior to June 1st, 2018), and was therefore a candidate for classification through an automated scoring system. Utilizing variant allele frequency, disease prevalence and penetrance estimates, and inheritance mode, an automated score was calculated to assess if this variant is too frequent to cause the disease. Based on the score and internal cut-off values, a variant classified as benign is not then subjected to further curation. The score for this variant resulted in a classification of benign for this disease.

Ambry Genetics
Classification: Benign for Hereditary cancer-predisposing syndrome. Last evaluated: 2016-12-08. Review status: criteria provided, single submitter. Criteria: Ambry Variant Classification Scheme 2023. Collection method: clinical testing. Allele origin: germline.

Women's Health and Genetics/Laboratory Corporation of America, LabCorp
Classification: Benign. Last evaluated: 2016-04-27. Review status: criteria provided, single submitter. Criteria: LabCorp Variant Classification Summary - May 2015. Collection method: clinical testing. Allele origin: germline.
Comment: Variant summary: The c.2535T>C variant involves the alteration of a non-conserved nucleotide resulting in a synonymous change. 4/5 in silico tools via Alamut predict no significant effect on splicing. The variant was observed in the large, broad control population, ExAC with an allele frequency of 61% which includes 24,282 homozygous occurrences, strong evidence that this is a common benign polymorphism. Due to the synonymous nature of this variant and the high allele frequency in the general population, this variant has been classified as Benign.

GeneDx
Classification: Benign. Last evaluated: 2016-03-03. Review status: criteria provided, single submitter. Criteria: GeneDx Variant Classification (06012015). Collection method: clinical testing. Allele origin: germline. Affected: yes.
Comment: This variant is considered likely benign or benign based on one or more of the following criteria: it is a conservative change, it occurs at a poorly conserved position in the protein, it is predicted to be benign by multiple in silico algorithms, and/or has population frequency not consistent with disease.

Clinical Genetics DNA and cytogenetics Diagnostics Lab, Erasmus MC, Erasmus Medical Center
Classification: Benign for Neuroblastoma, susceptibility to, 3. Last evaluated: 2015-09-21. Review status: criteria provided, single submitter. Criteria: ACGS Guidelines, 2013. Collection method: clinical testing. Allele origin: germline. Affected: yes. Study: VKGL Data-share Consensus.

Breakthrough Genomics
Classification: Benign. Review status: criteria provided, single submitter. Criteria: ACMG Guidelines, 2015. Collection method: not provided. Allele origin: germline. Inheritance: Unknown mechanism. Affected: yes.

PreventionGenetics, part of Exact Sciences
Classification: Benign. Review status: criteria provided, single submitter. Criteria: ACMG Guidelines, 2015. Collection method: clinical testing. Allele origin: germline.

Diagnostic Laboratory, Department of Genetics, University Medical Center Groningen
Classification: Benign for Neuroblastoma, susceptibility to, 3. Review status: no assertion criteria provided. Collection method: clinical testing. Allele origin: germline. Affected: yes. Study: VKGL Data-share Consensus. Not counted in ClinVar's aggregate classification.